The following is an entry in ClinVar:

ClinVar aggregate classification (germline): Likely benign. Review status: criteria provided, multiple submitters, no conflicts (2 of 4 stars). 3 submissions from 3 submitters: Likely benign (3). Last evaluated 2024-02-16.

Allele frequency attached by ClinVar (database versions not stated): TOPMed below 0.00001; ExAC 0.00001; gnomAD 0.00001; gnomAD exomes 0.00001.
gnomAD v4.1: 15 of 1,614,038 alleles (0.00093%); highest among the groups gnomAD compares: East Asian, 0.0089%; no homozygotes.

Submissions (3):

Labcorp Genetics (formerly Invitae), Labcorp
Classification: Likely benign. Last evaluated: 2024-02-16. Review status: criteria provided, single submitter. Criteria: Invitae Variant Classification Sherloc (09022015). Collection method: clinical testing. Allele origin: germline.

Mayo Clinic Laboratories, Mayo Clinic
Classification: Likely benign. Last evaluated: 2021-09-03. Review status: criteria provided, single submitter. Criteria: ACMG Guidelines, 2015. Collection method: clinical testing. Allele origin: germline. Observed: 1 variant allele.
Comment: BP4, BP7

GeneDx
Classification: Likely benign. Last evaluated: 2017-09-01. Review status: criteria provided, single submitter. Criteria: GeneDx Variant Classification (06012015). Collection method: clinical testing. Allele origin: germline. Affected: yes.
Comment: This variant is considered likely benign or benign based on one or more of the following criteria: it is a conservative change, it occurs at a poorly conserved position in the protein, it is predicted to be benign by multiple in silico algorithms, and/or has population frequency not consistent with disease.

NM_015404.4(WHRN):c.2484C>T (p.Ile828=)

Gene: WHRN (whirlin; minus strand). Cytogenetic location: 9q32.
Variant type: single nucleotide variant.
Coding change: c.2484C>T on transcript NM_015404.4 (MANE Select); coding-DNA position 2484, C replaced by T.
Protein change: p.Ile828=; no amino-acid change (isoleucine 828 retained).
Molecular consequence: synonymous variant.
Genome position (GRCh38, 1-based): chr9:114,403,274, G>A on the plus strand (C>T on the coding strand, the complement: WHRN is on the minus strand). VCF-style: chr9-114403274-G-A. GRCh37 (hg19) VCF-style: chr9-117165554-G-A.
Other names: p.Ile828=; c.2484C>T (NM_015404.3); c.1335C>T, p.Ile445= (NM_001083885.3); c.2481C>T, p.Ile827= (NM_001173425.2); c.1431C>T, p.Ile477= (NM_001346890.1).
Identifiers: ClinVar variation 511701 (VCV000511701.11), dbSNP rs777780045, ClinGen allele CA5205615.
Genomic context (GRCh38, chr9:114,403,274, plus strand): 5'-TACCTGAATAGTGACAATCCTAGGCAGGGGCTGGCGGGTGTTGGCGCCACCCTCGATGGC[G>A]ATGCCCAGGGTGGCCGCACTTTTCTTCACACGGACCAGAGTGGACGTGGGCTCCAGAAGT-3'
Protein context (NP_056219.3, residues 818-838): RVKKSAATLG[Ile828=]AIEGGANTRQ